The following is an entry in ClinVar:

ClinVar aggregate classification (germline): Uncertain significance. Review status: criteria provided, multiple submitters, no conflicts (2 of 4 stars). 2 submissions from 2 submitters: Uncertain significance (2). Last evaluated 2024-10-15.

Conditions:
Spondylometaphyseal dysplasia - Sutcliffe type. Also called: Spondylometaphyseal dysplasia, 'corner fracture' type; Spondylometaphyseal Dysplasia, Corner Fracture Type; Sutcliffe type of spondylometaphyseal dysplasia; Sutcliffe SMD. Identifiers: Orphanet 93315, MedGen C0432221, MONDO:0008479, OMIM 184255.
Glomerulopathy with fibronectin deposits 2 (GFND2). Identifiers: Orphanet 84090, MedGen C1866075, MONDO:0011165, OMIM 601894.

Allele frequency attached by ClinVar (database versions not stated): gnomAD exomes 0.00001.
gnomAD v4.1: 7 of 1,614,000 alleles (0.00043%); highest among the groups gnomAD compares: Admixed American, 0.01%; no homozygotes.

Submissions (2):

Labcorp Genetics (formerly Invitae), Labcorp
Classification: Uncertain significance. Last evaluated: 2024-10-15. Review status: criteria provided, single submitter. Criteria: Invitae Variant Classification Sherloc (09022015). Collection method: clinical testing. Allele origin: germline.
Comment: This sequence change replaces threonine, which is neutral and polar, with isoleucine, which is neutral and non-polar, at codon 1507 of the FN1 protein (p.Thr1507Ile). This variant is present in population databases (no rsID available, gnomAD 0.003%). This variant has not been reported in the literature in individuals affected with FN1-related conditions. ClinVar contains an entry for this variant (Variation ID: 1440332). An algorithm developed to predict the effect of missense changes on protein structure and function (PolyPhen-2) suggests that this variant is likely to be disruptive. In summary, the available evidence is currently insufficient to determine the role of this variant in disease. Therefore, it has been classified as a Variant of Uncertain Significance.

Fulgent Genetics
Classification: Uncertain significance for Spondylometaphyseal dysplasia - Sutcliffe type; Glomerulopathy with fibronectin deposits 2. Last evaluated: 2024-03-23. Review status: criteria provided, single submitter. Criteria: ACMG Guidelines, 2015. Collection method: clinical testing. Allele origin: germline.

NM_212482.4(FN1):c.4520C>T (p.Thr1507Ile)

Gene: FN1 (fibronectin 1; minus strand). Cytogenetic location: 2q35.
Variant type: single nucleotide variant.
Coding change: c.4520C>T on transcript NM_212482.4 (MANE Select); coding-DNA position 4520, C replaced by T.
Protein change: p.Thr1507Ile; replaces threonine 1507 with isoleucine.
Molecular consequence: missense variant.
Genome position (GRCh38, 1-based): chr2:215,386,781, G>A on the plus strand (C>T on the coding strand, the complement: FN1 is on the minus strand). VCF-style: chr2-215386781-G-A. GRCh37 (hg19) VCF-style: chr2-216251504-G-A.
Other names: c.4520C>T, p.Thr1507Ile (NM_001306129.2, NM_001306130.2, NM_001365517.2 and 3 more transcripts); c.4247C>T, p.Thr1416Ile (NM_001306131.2, NM_001306132.2, NM_212476.3 and 7 more transcripts); short protein forms T1416I, T1507I.
Identifiers: ClinVar variation 1440332 (VCV001440332.10), dbSNP rs1276858220, ClinGen allele CA350481387.
Genomic context (GRCh38, chr2:215,386,781, plus strand): 5'-TCCTCTCTGCCATTAAGAGCAACGATGCTGACCACATACTCTGTGCCTGGAGTGAGGTTG[G>A]TGAGGGTGATGGAATTCCGAGAGTGGGGCACCCGATCTTCTCGAGGTCTCCCACTGAAGT-3'
Protein context (NP_997647.2, residues 1497-1517): VPHSRNSITL[Thr1507Ile]NLTPGTEYVV